The following is an entry in ClinVar:

ClinVar aggregate classification (germline): Uncertain significance (1 of 4 stars; one submission).

Conditions:
Neuropathy, hereditary sensory and autonomic, type 1C. Also called: HSAN IC; HSN IC. Identifiers: Orphanet 36386, MedGen C3150896, MONDO:0013337, OMIM 613640.

Allele frequency attached by ClinVar (database versions not stated): ExAC 0.00002.
gnomAD v4.1: 9 of 1,614,170 alleles (0.00056%); highest among the groups gnomAD compares: East Asian, 0.0067%; no homozygotes.

Submission:

Labcorp Genetics (formerly Invitae), Labcorp
Classification: Uncertain significance for Neuropathy, hereditary sensory and autonomic, type 1C. Last evaluated: 2023-05-31. Review status: criteria provided, single submitter. Criteria: Invitae Variant Classification Sherloc (09022015). Collection method: clinical testing. Allele origin: germline.
Comment: This variant has not been reported in the literature in individuals affected with SPTLC2-related conditions. ClinVar contains an entry for this variant (Variation ID: 2147166). Advanced modeling of protein sequence and biophysical properties (such as structural, functional, and spatial information, amino acid conservation, physicochemical variation, residue mobility, and thermodynamic stability) performed at Invitae indicates that this missense variant is not expected to disrupt SPTLC2 protein function. In summary, the available evidence is currently insufficient to determine the role of this variant in disease. Therefore, it has been classified as a Variant of Uncertain Significance. This variant is present in population databases (rs746709961, gnomAD 0.02%). This sequence change replaces alanine, which is neutral and non-polar, with threonine, which is neutral and polar, at codon 193 of the SPTLC2 protein (p.Ala193Thr).

NM_004863.4(SPTLC2):c.577G>A (p.Ala193Thr)

Gene: SPTLC2 (serine palmitoyltransferase long chain base subunit 2; minus strand). Cytogenetic location: 14q24.3.
Variant type: single nucleotide variant.
Coding change: c.577G>A on transcript NM_004863.4 (MANE Select); coding-DNA position 577, G replaced by A.
Protein change: p.Ala193Thr; replaces alanine 193 with threonine.
Molecular consequence: missense variant.
Genome position (GRCh38, 1-based): chr14:77,576,821, C>T on the plus strand (G>A on the coding strand, the complement: SPTLC2 is on the minus strand). VCF-style: chr14-77576821-C-T. GRCh37 (hg19) VCF-style: chr14-78043164-C-T.
Other names: short protein forms A193T.
Identifiers: ClinVar variation 2147166 (VCV002147166.4), dbSNP rs746709961, ClinGen allele CA7289421.